The following is an entry in ClinVar:

ClinVar aggregate classification (germline): Uncertain significance. Review status: criteria provided, multiple submitters, no conflicts (2 of 4 stars). 2 submissions from 2 submitters: Uncertain significance (2). Last evaluated 2024-10-04.

Conditions:
Inborn genetic diseases. Identifiers: MedGen C0950123, MeSH D030342.
Left ventricular noncompaction 8 (LVNC8). Identifiers: Orphanet 154, Orphanet 54260, MedGen C3809288, MONDO:0014152, OMIM 615373.

Allele frequency attached by ClinVar (database versions not stated): ExAC 0.00001; gnomAD exomes 0.00001; gnomAD 0.00001; TOPMed 0.00002.
gnomAD v4.1: 22 of 1,612,242 alleles (0.0014%); highest among the groups gnomAD compares: African/African-American, 0.0027%; no homozygotes.

Submissions (2):

Ambry Genetics
Classification: Uncertain significance for Inborn genetic diseases. Last evaluated: 2024-10-04. Review status: criteria provided, single submitter. Criteria: Ambry Variant Classification Scheme 2023. Collection method: clinical testing. Allele origin: germline.

Labcorp Genetics (formerly Invitae), Labcorp
Classification: Uncertain significance for Left ventricular noncompaction 8. Last evaluated: 2024-04-30. Review status: criteria provided, single submitter. Criteria: Invitae Variant Classification Sherloc (09022015). Collection method: clinical testing. Allele origin: germline.
Comment: This sequence change replaces proline, which is neutral and non-polar, with leucine, which is neutral and non-polar, at codon 51 of the PRDM16 protein (p.Pro51Leu). This variant is present in population databases (rs765652014, gnomAD 0.003%). This variant has not been reported in the literature in individuals affected with PRDM16-related conditions. ClinVar contains an entry for this variant (Variation ID: 2047178). An algorithm developed to predict the effect of missense changes on protein structure and function (PolyPhen-2) suggests that this variant is likely to be tolerated. In summary, the available evidence is currently insufficient to determine the role of this variant in disease. Therefore, it has been classified as a Variant of Uncertain Significance.

NM_022114.4(PRDM16):c.152C>T (p.Pro51Leu)

Gene: PRDM16 (PR/SET domain 16; plus strand). Cytogenetic location: 1p36.32.
Variant type: single nucleotide variant.
Coding change: c.152C>T on transcript NM_022114.4 (MANE Select); coding-DNA position 152, C replaced by T.
Protein change: p.Pro51Leu; replaces proline 51 with leucine.
Molecular consequence: missense variant.
Genome position (GRCh38, 1-based): chr1:3,186,239, C>T. VCF-style: chr1-3186239-C-T. GRCh37 (hg19) VCF-style: chr1-3102803-C-T.
Other names: c.152C>T, p.Pro51Leu (NM_199454.3); c.152C>T (NM_022114.3); short protein forms P51L.
Identifiers: ClinVar variation 2047178 (VCV002047178.5), dbSNP rs765652014, ClinGen allele CA543717.
Genomic context (GRCh38, chr1:3,186,239, plus strand): 5'-GCCACAGCGCGGAGGACGAGGCCGAGGACAGTGCCATGTCGCCCATCCCCGTGGGGCCAC[C>T]GTCCCCCTTCCCCACCAGCGAGGACTTCACCCCCAAGGAGGGCTCGCCGTACGAGGCCCC-3'
Protein context (NP_071397.3, residues 41-61): SAMSPIPVGP[Pro51Leu]SPFPTSEDFT